The following is an entry in ClinVar:

NM_000234.3(LIG1):c.183C>G (p.Ala61=)

Gene: LIG1 (DNA ligase 1; minus strand). Cytogenetic location: 19q13.33.
Variant type: single nucleotide variant.
Coding change: c.183C>G on transcript NM_000234.3 (MANE Select); coding-DNA position 183, C replaced by G.
Protein change: p.Ala61=; no amino-acid change (alanine 61 retained).
Molecular consequence: synonymous variant. On other transcripts: non-coding transcript variant (6).
Genome position (GRCh38, 1-based): chr19:48,161,432, G>C on the plus strand (C>G on the coding strand, the complement: LIG1 is on the minus strand). VCF-style: chr19-48161432-G-C. GRCh37 (hg19) VCF-style: chr19-48664689-G-C.
Other names: c.93C>G, p.Ala31= (NM_001289063.2, NM_001320971.2); c.183C>G, p.Ala61= (NM_001289064.2, NM_001320970.2).
Identifiers: ClinVar variation 3031348 (VCV003031348.4), dbSNP rs984362771, ClinGen allele CA309285223.
Genomic context (GRCh38, chr19:48,161,432, plus strand): 5'-CTGGCCTTTAGCAGGGCTAAGGGCTTCATCCTCCTCTTCCCCTTCGCTGCCCAGGACCCG[G>C]GCCGCCTTCCTCCCTGGCCTCTTCACCGGAGAGTCACTCTCGGACACCACTCCATTCCAC-3'
Protein context (NP_000225.1, residues 51-71): SPVKRPGRKA[Ala61=]RVLGSEGEEE

ClinVar aggregate classification (germline): Likely benign. Review status: criteria provided, single submitter (1 of 4 stars). 2 submissions from 2 submitters: Likely benign (1). 1 of the submissions does not count toward it. Last evaluated 2024-11-27.

Conditions:
LIG1-related disorder. Also called: LIG1-related condition.

Allele frequency attached by ClinVar (database versions not stated): TOPMed below 0.00001.
gnomAD v4.1: 11 of 1,614,096 alleles (0.00068%); highest among the groups gnomAD compares: Non-Finnish European, 0.00093%; no homozygotes.

Submissions (2):

Labcorp Genetics (formerly Invitae), Labcorp
Classification: Likely benign. Last evaluated: 2024-11-27. Review status: criteria provided, single submitter. Criteria: Invitae Variant Classification Sherloc (09022015). Collection method: clinical testing. Allele origin: germline.

PreventionGenetics, part of Exact Sciences
Classification: Likely benign for LIG1-related condition. Last evaluated: 2023-09-19. Review status: no assertion criteria provided. Collection method: clinical testing. Allele origin: germline. Not counted in ClinVar's aggregate classification.
Comment: This variant is classified as likely benign based on ACMG/AMP sequence variant interpretation guidelines (Richards et al. 2015 PMID: 25741868, with internal and published modifications).